The following is an entry in ClinVar:

ClinVar aggregate classification (germline): Conflicting classifications of pathogenicity. Review status: criteria provided, conflicting classifications (1 of 4 stars). 7 submissions from 7 submitters: Likely pathogenic (1); Uncertain significance (6). Last evaluated 2025-10-10.

Conditions:
Cystic fibrosis (CF). Also called: MUCOVISCIDOSIS. Identifiers: Orphanet 586, MedGen C0010674, MONDO:0009061, OMIM 219700. Disease mechanism: loss of function.

Submissions (7):

Mayo Clinic Laboratories, Mayo Clinic
Classification: Likely pathogenic. Last evaluated: 2025-10-10. Review status: criteria provided, single submitter. Criteria: ACMG Guidelines, 2015. Collection method: clinical testing. Allele origin: germline. Observed: 1 variant allele.
Comment: PP3_moderate, PM2_supporting, PM3, PS3

Women's Health and Genetics/Laboratory Corporation of America, LabCorp
Classification: Uncertain significance. Last evaluated: 2024-03-19. Review status: criteria provided, single submitter. Criteria: LabCorp Variant Classification Summary - May 2015. Collection method: clinical testing. Allele origin: germline.
Comment: Variant summary: CFTR c.1486T>C (p.Trp496Arg) results in a non-conservative amino acid change located in the ABC transporter-like, ATP-binding domain (IPR03439) of the encoded protein sequence. Five of five in-silico tools predict a damaging effect of the variant on protein function. The variant was absent in 251324 control chromosomes. The available data on variant occurrences in the general population are insufficient to allow any conclusion about variant significance. c.1486T>C has been reported in the literature in at least one compound heterozygous individual affected with Cystic Fibrosis (Ruiz-Cabezas_2019, Janushka_2019, Januska_2023). These data do not allow any conclusion about variant significance. To our knowledge, no experimental evidence demonstrating an impact on protein function has been reported. ClinVar contains an entry for this variant (Variation ID: 439055). Based on the evidence outlined above, the variant was classified as uncertain significance.

Labcorp Genetics (formerly Invitae), Labcorp
Classification: Uncertain significance for Cystic fibrosis. Last evaluated: 2023-05-05. Review status: criteria provided, single submitter. Criteria: Invitae Variant Classification Sherloc (09022015). Collection method: clinical testing. Allele origin: germline.
Comment: This sequence change replaces tryptophan, which is neutral and slightly polar, with arginine, which is basic and polar, at codon 496 of the CFTR protein (p.Trp496Arg). In summary, the available evidence is currently insufficient to determine the role of this variant in disease. Therefore, it has been classified as a Variant of Uncertain Significance. Advanced modeling of protein sequence and biophysical properties (such as structural, functional, and spatial information, amino acid conservation, physicochemical variation, residue mobility, and thermodynamic stability) performed at Invitae indicates that this missense variant is expected to disrupt CFTR protein function. ClinVar contains an entry for this variant (Variation ID: 439055). This missense change has been observed in individual(s) with cystic fibrosis or clinical features of this condition (PMID: 30763667, 32227567; Invitae). In at least one individual the data is consistent with being in trans (on the opposite chromosome) from a pathogenic variant. This variant is not present in population databases (gnomAD no frequency).

GeneDx
Classification: Uncertain significance. Last evaluated: 2022-08-17. Review status: criteria provided, single submitter. Criteria: GeneDx Variant Classification Process June 2021. Collection method: clinical testing. Allele origin: germline. Affected: yes.
Comment: Not observed at significant frequency in large population cohorts (gnomAD); In silico analysis supports that this missense variant has a deleterious effect on protein structure/function; Reported in the homozygous state in a patient with cystic fibrosis (Ruiz-Cabezas et al., 2019); This variant is associated with the following publications: (PMID: 32596391, 30763667)

Genome-Nilou Lab
Classification: Uncertain significance for Cystic fibrosis. Last evaluated: 2021-09-05. Review status: criteria provided, single submitter. Criteria: ACMG Guidelines, 2015. Collection method: clinical testing. Allele origin: germline. Affected: no.

Johns Hopkins Genomics, Johns Hopkins University
Classification: Uncertain significance for Cystic fibrosis. Last evaluated: 2020-04-27. Review status: criteria provided, single submitter. Criteria: ACMG Guidelines, 2015. Collection method: clinical testing. Allele origin: germline.
Comment: This CFTR variant has been previously identified in two patients with features of cystic fibrosis2. c.1486T>C is absent from a large population database and a single submitter in ClinVar classifies it as a variant of uncertain clinical significance. The functional consequence of this variant has not been assessed, to our knowledge. Three bioinformatic tools queried predict that this substitution would probably be damaging, and the tryptophan residue at this position is evolutionarily conserved across all species assessed. Due to insufficient evidence that this variant is deleterious, we consider the clinical significance of c.1486T>C to be uncertain at this time.

Quest Diagnostics Nichols Institute San Juan Capistrano
Classification: Uncertain significance. Last evaluated: 2017-03-31. Review status: criteria provided, single submitter. Criteria: Quest Diagnostics criteria. Collection method: clinical testing. Allele origin: germline.

Literature cited by the submitters: PubMed 30763667 (cited by 4 submitters); PubMed 32227567 (cited by 3 submitters); PubMed 32596391 (cited by Mayo Clinic Laboratories, Mayo Clinic); PubMed 37975497 (cited by Mayo Clinic Laboratories, Mayo Clinic and Women's Health and Genetics/Laboratory Corporation of America, LabCorp); PubMed 38388235 (cited by Mayo Clinic Laboratories, Mayo Clinic); PubMed 40065563 (cited by Mayo Clinic Laboratories, Mayo Clinic).

NM_000492.4(CFTR):c.1486T>C (p.Trp496Arg)

Genes: CFTR-AS1 (CFTR antisense RNA 1; minus strand), CFTR (CF transmembrane conductance regulator; plus strand). Cytogenetic location: 7q31.2.
Variant type: single nucleotide variant.
Coding change: c.1486T>C on transcript NM_000492.4 (MANE Select); coding-DNA position 1486, T replaced by C.
Protein change: p.Trp496Arg; replaces tryptophan 496 with arginine.
Molecular consequence: missense variant.
Genome position (GRCh38, 1-based): chr7:117,559,557, T>C. VCF-style: chr7-117559557-T-C. GRCh37 (hg19) VCF-style: chr7-117199611-T-C.
Other names: short protein forms W496R.
Identifiers: ClinVar variation 439055 (VCV000439055.13), dbSNP rs1554384382, ClinGen allele CA368984571.
Genomic context (GRCh38, chr7:117,559,557, plus strand): 5'-GAGCCTTCAGAGGGTAAAATTAAGCACAGTGGAAGAATTTCATTCTGTTCTCAGTTTTCC[T>C]GGATTATGCCTGGCACCATTAAAGAAAATATCATCTTTGGTGTTTCCTATGATGAATATA-3'
Protein context (NP_000483.3, residues 486-506): GRISFCSQFS[Trp496Arg]IMPGTIKENI